The following is an entry in ClinVar:

ClinVar aggregate classification (germline): Uncertain significance. Review status: criteria provided, multiple submitters, no conflicts (2 of 4 stars). 2 submissions from 2 submitters: Uncertain significance (2). Last evaluated 2022-10-13.

Conditions:
Hereditary cancer-predisposing syndrome. Also called: Neoplastic Syndromes, Hereditary; Tumor predisposition; Hereditary Cancer Syndrome; Hereditary neoplastic syndrome. Identifiers: Orphanet 140162, MedGen C0027672, MeSH D009386, MONDO:0015356.

Submissions (2):

Quest Diagnostics Nichols Institute San Juan Capistrano
Classification: Uncertain significance. Last evaluated: 2022-10-13. Review status: criteria provided, single submitter. Criteria: Quest Diagnostics criteria. Collection method: clinical testing. Allele origin: unknown.
Comment: To the best of our knowledge, the variant has not been reported in individuals with PMS2-related conditions in the published literature. It also has not been reported in large, multi-ethnic general populations. Analysis of this variant using bioinformatics tools for the prediction of the effect of amino acid changes on protein structure and function yielded predictions that this variant is benign. Based on the available information, we are unable to determine the clinical significance of this variant.

Ambry Genetics
Classification: Uncertain significance for Hereditary cancer-predisposing syndrome. Last evaluated: 2022-08-23. Review status: criteria provided, single submitter. Criteria: Ambry Variant Classification Scheme 2023. Collection method: clinical testing. Allele origin: germline.
Comment: The p.T458S variant (also known as c.1373C>G), located in coding exon 11 of the PMS2 gene, results from a C to G substitution at nucleotide position 1373. The threonine at codon 458 is replaced by serine, an amino acid with similar properties. This amino acid position is not well conserved in available vertebrate species. In addition, this alteration is predicted to be tolerated by in silico analysis. Since supporting evidence is limited at this time, the clinical significance of this alteration remains unclear.

NM_000535.7(PMS2):c.1373C>G (p.Thr458Ser)

Gene: PMS2 (PMS1 homolog 2, mismatch repair system component; minus strand). Cytogenetic location: 7p22.1.
Variant type: single nucleotide variant.
Coding change: c.1373C>G on transcript NM_000535.7 (MANE Select); coding-DNA position 1373, C replaced by G.
Protein change: p.Thr458Ser; replaces threonine 458 with serine.
Molecular consequence: missense variant. On other transcripts: non-coding transcript variant (1).
Genome position (GRCh38, 1-based): chr7:5,987,392, G>C on the plus strand (C>G on the coding strand, the complement: PMS2 is on the minus strand). VCF-style: chr7-5987392-G-C. GRCh37 (hg19) VCF-style: chr7-6027023-G-C.
Other names: c.968C>G, p.Thr323Ser (NM_001322003.2, NM_001322004.2, NM_001322005.2 and 1 more transcripts); c.1217C>G, p.Thr406Ser (NM_001322006.2); c.1055C>G, p.Thr352Ser (NM_001322007.2, NM_001322008.2); c.812C>G, p.Thr271Ser (NM_001322010.2); c.440C>G, p.Thr147Ser (NM_001322011.2, NM_001322012.2); c.800C>G, p.Thr267Ser (NM_001322013.2); c.1373C>G, p.Thr458Ser (NM_001322014.2); c.1064C>G, p.Thr355Ser (NM_001322015.2); and 1 more; short protein forms T458S, T267S, T147S, T352S, T355S, T271S, T323S, T406S.
Identifiers: ClinVar variation 233150 (VCV000233150.6), dbSNP rs755348833, ClinGen allele CA10578677.